The following is an entry in ClinVar:

NM_006206.6(PDGFRA):c.1706G>A (p.Gly569Glu)

Gene: PDGFRA (platelet derived growth factor receptor alpha; plus strand). Cytogenetic location: 4q12.
Variant type: single nucleotide variant.
Coding change: c.1706G>A on transcript NM_006206.6 (MANE Select); coding-DNA position 1706, G replaced by A.
Protein change: p.Gly569Glu; replaces glycine 569 with glutamic acid.
Molecular consequence: missense variant.
Genome position (GRCh38, 1-based): chr4:54,274,893, G>A. VCF-style: chr4-54274893-G-A. GRCh37 (hg19) VCF-style: chr4-55141060-G-A.
Other names: c.1706G>A, p.Gly569Glu (NM_001347827.2, NM_001347829.2); c.1781G>A, p.Gly594Glu (NM_001347828.2); c.1745G>A, p.Gly582Glu (NM_001347830.2); short protein forms G569E, G594E, G582E.
Identifiers: ClinVar variation 2453873 (VCV002453873.2), dbSNP rs2110299859, ClinGen allele CA356893131.
Genomic context (GRCh38, chr4:54,274,893, plus strand): 5'-ATTTATAGAAACCGAGGTATGAAATTCGCTGGAGGGTCATTGAATCAATCAGCCCAGATG[G>A]ACATGAATATATTTATGTGGACCCGATGCAGCTGCCTTATGACTCAAGATGGGAGTTTCC-3'
Protein context (NP_006197.1, residues 559-579): WRVIESISPD[Gly569Glu]HEYIYVDPMQ

ClinVar aggregate classification (germline): Uncertain significance (1 of 4 stars; one submission).

Conditions:
Hereditary cancer-predisposing syndrome. Also called: Neoplastic Syndromes, Hereditary; Hereditary neoplastic syndrome; Tumor predisposition; Hereditary Cancer Syndrome. Identifiers: Orphanet 140162, MedGen C0027672, MeSH D009386, MONDO:0015356.

Submission:

Ambry Genetics
Classification: Uncertain significance for Hereditary cancer-predisposing syndrome. Last evaluated: 2023-02-18. Review status: criteria provided, single submitter. Criteria: Ambry Variant Classification Scheme 2023. Collection method: clinical testing. Allele origin: germline.
Comment: The p.G569E variant (also known as c.1706G>A), located in coding exon 11 of the PDGFRA gene, results from a G to A substitution at nucleotide position 1706. The glycine at codon 569 is replaced by glutamic acid, an amino acid with similar properties. This amino acid position is conserved. In addition, this alteration is predicted to be deleterious by in silico analysis. Since supporting evidence is limited at this time, the clinical significance of this alteration remains unclear.